The following is an entry in ClinVar:

ClinVar aggregate classification (germline): Uncertain significance (1 of 4 stars; one submission).

Conditions:
Primary ciliary dyskinesia. Also called: Ciliary dyskinesia. Identifiers: Orphanet 244, MedGen C0008780, MONDO:0016575, HP:0012265.

Allele frequency attached by ClinVar (database versions not stated): gnomAD exomes below 0.00001; gnomAD 0.00001; TOPMed 0.00001.
gnomAD v4.1: 6 of 1,612,866 alleles (0.00037%); highest among the groups gnomAD compares: Admixed American, 0.0017%; no homozygotes.

Submission:

Ambry Genetics
Classification: Uncertain significance for Primary ciliary dyskinesia. Last evaluated: 2022-05-02. Review status: criteria provided, single submitter. Criteria: Ambry Variant Classification Scheme 2023. Collection method: clinical testing. Allele origin: germline.
Comment: The p.E11K variant (also known as c.31G>A), located in coding exon 1 of the RSPH9 gene, results from a G to A substitution at nucleotide position 31. The glutamic acid at codon 11 is replaced by lysine, an amino acid with similar properties. This amino acid position is conserved. In addition, this alteration is predicted to be tolerated by in silico analysis. Since supporting evidence is limited at this time, the clinical significance of this alteration remains unclear.

NM_152732.5(RSPH9):c.31G>A (p.Glu11Lys)

Gene: RSPH9 (radial spoke head component 9; plus strand). Cytogenetic location: 6p21.1.
Variant type: single nucleotide variant.
Coding change: c.31G>A on transcript NM_152732.5 (MANE Select); coding-DNA position 31, G replaced by A.
Protein change: p.Glu11Lys; replaces glutamic acid 11 with lysine.
Molecular consequence: missense variant. On other transcripts: non-coding transcript variant (2).
Genome position (GRCh38, 1-based): chr6:43,645,129, G>A. VCF-style: chr6-43645129-G-A. GRCh37 (hg19) VCF-style: chr6-43612866-G-A.
Other names: c.31G>A, p.Glu11Lys (NM_001193341.2, NM_001424119.1, NM_001424120.1 and 1 more transcripts); short protein forms E11K.
Identifiers: ClinVar variation 1728793 (VCV001728793.2), dbSNP rs946497085, ClinGen allele CA138329303.
Genomic context (GRCh38, chr6:43,645,129, plus strand): 5'-CGACGGGCGTTGAGCGGAGCCGCTGACCTGATGGACGCCGACAGCCTCCTGCTGTCTCTG[G>A]AGCTGGCGTCCGGCAGTGGGCAGGGCCTCAGCCCGGACCGTCGGGCCTCGCTGCTCACGT-3'
Protein context (NP_689945.2, residues 1-21): MDADSLLLSL[Glu11Lys]LASGSGQGLS